The following is an entry in ClinVar:

NM_001999.4(FBN2):c.1346A>G (p.Asn449Ser)

Gene: FBN2 (fibrillin 2; minus strand). Cytogenetic location: 5q23.3.
Variant type: single nucleotide variant.
Coding change: c.1346A>G on transcript NM_001999.4 (MANE Select); coding-DNA position 1346, A replaced by G.
Protein change: p.Asn449Ser; replaces asparagine 449 with serine.
Molecular consequence: missense variant.
Genome position (GRCh38, 1-based): chr5:128,393,254, T>C on the plus strand (A>G on the coding strand, the complement: FBN2 is on the minus strand). VCF-style: chr5-128393254-T-C. GRCh37 (hg19) VCF-style: chr5-127728947-T-C.
Other names: short protein forms N449S.
Identifiers: ClinVar variation 1306467 (VCV001306467.3), dbSNP rs759805834, ClinGen allele CA3395818.

ClinVar aggregate classification (germline): Uncertain significance. Review status: criteria provided, multiple submitters, no conflicts (2 of 4 stars). 2 submissions from 2 submitters: Uncertain significance (2). Last evaluated 2024-08-30.

Conditions:
Familial thoracic aortic aneurysm and aortic dissection (TAAD). Also called: Thoracic aortic aneurysms and dissections. Identifiers: Orphanet 91387, MedGen C4707243, MONDO:0019625.

Allele frequency attached by ClinVar (database versions not stated): gnomAD exomes below 0.00001; ExAC 0.00001; gnomAD 0.00001.
gnomAD v4.1: 6 of 1,614,030 alleles (0.00037%); highest among the groups gnomAD compares: South Asian, 0.0044%; no homozygotes.

Submissions (2):

Ambry Genetics
Classification: Uncertain significance for Familial thoracic aortic aneurysm and aortic dissection. Last evaluated: 2024-08-30. Review status: criteria provided, single submitter. Criteria: Ambry Variant Classification Scheme 2023. Collection method: clinical testing. Allele origin: germline.
Comment: The p.N449S variant (also known as c.1346A>G), located in coding exon 10 of the FBN2 gene, results from an A to G substitution at nucleotide position 1346. The asparagine at codon 449 is replaced by serine, an amino acid with highly similar properties. This amino acid position is highly conserved in available vertebrate species. In addition, this alteration is predicted to be tolerated by in silico analysis. Based on the available evidence, the clinical significance of this variant remains unclear.

GeneDx
Classification: Uncertain significance. Last evaluated: 2019-06-10. Review status: criteria provided, single submitter. Criteria: GeneDx Variant Classification Process June 2021. Collection method: clinical testing. Allele origin: germline. Affected: yes.
Comment: Has not been previously published as pathogenic or benign to our knowledge; Not observed at a significant frequency in large population cohorts (Lek et al., 2016); In silico analysis, which includes protein predictors and evolutionary conservation, supports that this variant does not alter protein structure/function; Does not affect a cysteine residue within a calcium-binding EGF-like domain of the FBN2 gene; cysteine substitutions in the calcium-binding EGF-like domains represent the majority of pathogenic missense changes associated with congenital contractural arachnodactyly (CCA) (Collod-Beroud et al., 2003; Frederic et al., 2009).